The following is an entry in ClinVar:

NM_001025603.2(RFX5):c.1420G>C (p.Gly474Arg)

Gene: RFX5 (regulatory factor X5; minus strand). Cytogenetic location: 1q21.3.
Variant type: single nucleotide variant.
Coding change: c.1420G>C on transcript NM_001025603.2 (MANE Select); coding-DNA position 1420, G replaced by C.
Protein change: p.Gly474Arg; replaces glycine 474 with arginine.
Molecular consequence: missense variant.
Genome position (GRCh38, 1-based): chr1:151,342,617, C>G on the plus strand (G>C on the coding strand, the complement: RFX5 is on the minus strand). VCF-style: chr1-151342617-C-G. GRCh37 (hg19) VCF-style: chr1-151315093-C-G.
Other names: c.1420G>C, p.Gly474Arg (NM_000449.4, NM_001379412.1, NM_001379413.1 and 5 more transcripts); c.1300G>C, p.Gly434Arg (NM_001379419.1, NM_001379420.1); short protein forms G434R, G474R.
Identifiers: ClinVar variation 2096239 (VCV002096239.4), dbSNP rs2529015839, ClinGen allele CA341926551.

ClinVar aggregate classification (germline): Uncertain significance (1 of 4 stars; one submission).

Conditions:
MHC class II deficiency. Also called: Bare lymphocyte syndrome 2; BLS, TYPE II. Identifiers: Orphanet 572, MedGen C5447452, MONDO:0008855.

Submission:

Labcorp Genetics (formerly Invitae), Labcorp
Classification: Uncertain significance for MHC class II deficiency. Last evaluated: 2022-08-15. Review status: criteria provided, single submitter. Criteria: Invitae Variant Classification Sherloc (09022015). Collection method: clinical testing. Allele origin: germline.
Comment: In summary, the available evidence is currently insufficient to determine the role of this variant in disease. Therefore, it has been classified as a Variant of Uncertain Significance. Algorithms developed to predict the effect of missense changes on protein structure and function are either unavailable or do not agree on the potential impact of this missense change (SIFT: "Tolerated"; PolyPhen-2: "Possibly Damaging"; Align-GVGD: "Class C0"). This variant has not been reported in the literature in individuals affected with RFX5-related conditions. This variant is not present in population databases (gnomAD no frequency). This sequence change replaces glycine, which is neutral and non-polar, with arginine, which is basic and polar, at codon 474 of the RFX5 protein (p.Gly474Arg).